The following is an entry in ClinVar:

NM_007294.4(BRCA1):c.2211dup (p.Val738fs)

Gene: BRCA1 (BRCA1 DNA repair associated; minus strand). Cytogenetic location: 17q21.31.
Variant type: Duplication.
Coding change: c.2211dup on transcript NM_007294.4 (MANE Select); coding-DNA position 2211, one base duplicated (A; older notation c.2211dupA).
Protein change: p.Val738fs; shifts the reading frame from valine 738.
Molecular consequence: frameshift variant. On other transcripts: intron variant (137).
Genome position (GRCh38, 1-based): chr17:43,093,320, T duplicated on the plus strand (A on the coding strand, the reverse complement: BRCA1 is on the minus strand). VCF-style (leftmost placement, unchanged base first): chr17-43093319-C-CT. GRCh37 (hg19) VCF-style: chr17-41245336-C-CT.
Other names: 2330insA; c.2007dup, p.Val670fs (NM_001407875.1, NM_001407874.1); c.2001dup, p.Val668fs (NM_001407879.1, NM_001407881.1, NM_001407882.1 and 13 more transcripts); c.1998dup, p.Val667fs (NM_001407894.1, NM_001407895.1, NM_001407896.1 and 9 more transcripts); c.2088dup, p.Val697fs (NM_001407919.1, NM_001407937.1, NM_001407938.1 and 19 more transcripts); c.1947dup, p.Val650fs (NM_001407920.1, NM_001407921.1, NM_001407922.1 and 9 more transcripts); c.1944dup, p.Val649fs (NM_001407930.1, NM_001407931.1, NM_001407932.1 and 2 more transcripts); c.2085dup, p.Val696fs (NM_001407940.1, NM_001407941.1, NM_001407649.1 and 11 more transcripts); and 42 more; short protein forms V738fs, V691fs, V442fs, V649fs, V667fs, V668fs, V670fs, V697fs.
Identifiers: ClinVar variation 266239 (VCV000266239.6), dbSNP rs886040016, ClinGen allele CA10589874.

ClinVar aggregate classification (germline): Pathogenic. Review status: reviewed by expert panel (3 of 4 stars). 2 submissions from 2 submitters: Pathogenic (1). 1 of the submissions does not count toward it. Last evaluated 2016-10-18.

Conditions:
Breast-ovarian cancer, familial, susceptibility to, 1 (BROVCA1). Also called: BRCA1 Hereditary Breast and Ovarian Cancer; OVARIAN CANCER, SUSCEPTIBILITY TO. Identifiers: Orphanet 145, MedGen C2676676, MONDO:0011450, OMIM 604370. Disease mechanism: loss of function.

Submissions (2):

Evidence-based Network for the Interpretation of Germline Mutant Alleles (ENIGMA)
Classification: Pathogenic for Breast-ovarian cancer, familial, susceptibility to, 1. Last evaluated: 2016-10-18. Review status: reviewed by expert panel. Criteria: ENIGMA BRCA1/2 Classification Criteria (2015). Collection method: curation. Allele origin: germline.
Comment: Variant allele predicted to encode a truncated non-functional protein.

Consortium of Investigators of Modifiers of BRCA1/2 (CIMBA), c/o University of Cambridge
Classification: Pathogenic for Breast-ovarian cancer, familial, susceptibility to, 1. Last evaluated: 2015-10-02. Review status: criteria provided, single submitter. Criteria: CIMBA Mutation Classification guidelines May 2016. Collection method: clinical testing. Allele origin: germline. Not counted in ClinVar's aggregate classification.